The following is an entry in ClinVar:

NM_001161352.2(KCNMA1):c.608T>C (p.Ile203Thr)

Gene: KCNMA1 (potassium calcium-activated channel subfamily M alpha 1; minus strand). Cytogenetic location: 10q22.3.
Variant type: single nucleotide variant.
Coding change: c.608T>C on transcript NM_001161352.2 (MANE Select); coding-DNA position 608, T replaced by C.
Protein change: p.Ile203Thr; replaces isoleucine 203 with threonine.
Molecular consequence: missense variant.
Genome position (GRCh38, 1-based): chr10:77,184,911, A>G on the plus strand (T>C on the coding strand, the complement: KCNMA1 is on the minus strand). VCF-style: chr10-77184911-A-G. GRCh37 (hg19) VCF-style: chr10-78944669-A-G.
Other names: c.608T>C, p.Ile203Thr (NM_001014797.3, NM_001161353.2, NM_001271519.2 and 7 more transcripts); c.446T>C, p.Ile149Thr (NM_001271518.2); c.68T>C, p.Ile23Thr (NM_001322838.2); short protein forms I203T, I23T, I149T.
Identifiers: ClinVar variation 1486932 (VCV001486932.8), dbSNP rs2154127879, ClinGen allele CA377410740.

ClinVar aggregate classification (germline): Uncertain significance (1 of 4 stars; one submission).

Conditions:
Generalized epilepsy-paroxysmal dyskinesia syndrome (PNKD3). Also called: Generalized epilepsy and paroxysmal dyskinesia; Paroxysmal nonkinesigenic dyskinesia, 3, with or without generalized epilepsy. Identifiers: Orphanet 79137, MedGen C5574945, MONDO:0012276, OMIM 609446.

Submission:

Labcorp Genetics (formerly Invitae), Labcorp
Classification: Uncertain significance for Generalized epilepsy-paroxysmal dyskinesia syndrome. Last evaluated: 2021-04-28. Review status: criteria provided, single submitter. Criteria: Invitae Variant Classification Sherloc (09022015). Collection method: clinical testing. Allele origin: germline.
Comment: In summary, the available evidence is currently insufficient to determine the role of this variant in disease. Therefore, it has been classified as a Variant of Uncertain Significance. This variant has not been reported in the literature in individuals with KCNMA1-related conditions. This variant is not present in population databases (ExAC no frequency). This sequence change replaces isoleucine with threonine at codon 203 of the KCNMA1 protein (p.Ile203Thr). The isoleucine residue is moderately conserved and there is a moderate physicochemical difference between isoleucine and threonine. Algorithms developed to predict the effect of missense changes on protein structure and function are either unavailable or do not agree on the potential impact of this missense change (SIFT: "Deleterious"; PolyPhen-2: "Possibly Damaging"; Align-GVGD: "Class C0").